The following is an entry in ClinVar:

NM_001374736.1(DST):c.20757+11T>G

Gene: DST (dystonin; minus strand). Cytogenetic location: 6p12.1.
Variant type: single nucleotide variant.
Coding change: c.20757+11T>G on transcript NM_001374736.1 (MANE Select); 11 bases into the intron after coding-DNA position 20757, T replaced by G.
Molecular consequence: intron variant.
Genome position (GRCh38, 1-based): chr6:56,492,216, A>C on the plus strand (T>G on the coding strand, the complement: DST is on the minus strand). VCF-style: chr6-56492216-A-C. GRCh37 (hg19) VCF-style: chr6-56357014-A-C.
Other names: c.14400+11T>G (NM_001144769.5); c.20757+11T>G (NM_001374722.1); c.20784+11T>G (NM_001374734.1); c.13986+11T>G (NM_001144770.2); c.13539+11T>G (NM_001374730.1); c.13866+11T>G (NM_001386100.1, NM_183380.4); c.19797+11T>G (NM_001374729.1); c.12888+11T>G (NM_015548.5).
Identifiers: ClinVar variation 2931586 (VCV002931586.3), dbSNP rs2095773185, ClinGen allele CA1089315307.

ClinVar aggregate classification (germline): Uncertain significance (1 of 4 stars; one submission).

Conditions:
Hereditary sensory and autonomic neuropathy type 6. Also called: HSAN VI; Neuropathy, hereditary sensory and autonomic, type VI. Identifiers: Orphanet 314381, MedGen C3539003, MONDO:0013839, OMIM 614653.
Epidermolysis bullosa simplex 3, localized or generalized intermediate, with BP230 deficiency (EBS3). Also called: Epidermolysis bullosa simplex, autosomal recessive 2; Epidermolysis bullosa simplex due to BP230 deficiency. Identifiers: Orphanet 412181, MedGen C3809470, MONDO:0014180, OMIM 615425.

Allele frequency attached by ClinVar (database versions not stated): gnomAD exomes below 0.00001; TOPMed below 0.00001; gnomAD 0.00001.
gnomAD v4.1: 2 of 1,610,468 alleles (0.00012%); highest among the groups gnomAD compares: Non-Finnish European, 0.00017%; no homozygotes.

Submission:

Labcorp Genetics (formerly Invitae), Labcorp
Classification: Uncertain significance for Epidermolysis bullosa simplex 3, localized or generalized intermediate, with BP230 deficiency; Hereditary sensory and autonomic neuropathy type 6. Last evaluated: 2024-05-16. Review status: criteria provided, single submitter. Criteria: Invitae Variant Classification Sherloc (09022015). Collection method: clinical testing. Allele origin: germline.
Comment: The DST gene has multiple clinically relevant transcripts. This variant occurs in alternate transcript NM_015548.4, and corresponds to NM_001723.5:c.*123301T>G in the primary transcript. This sequence change falls in intron 66 of the DST gene. It does not directly change the encoded amino acid sequence of the DST protein. This variant is not present in population databases (gnomAD no frequency). This variant has not been reported in the literature in individuals affected with DST-related conditions. Experimental studies and prediction algorithms are not available or were not evaluated, and the effect of this variant on mRNA splicing is currently unknown. In summary, the available evidence is currently insufficient to determine the role of this variant in disease. Therefore, it has been classified as a Variant of Uncertain Significance.